The following is an entry in ClinVar:

ClinVar aggregate classification (germline): Uncertain significance (1 of 4 stars; one submission).

Submission:

Labcorp Genetics (formerly Invitae), Labcorp
Classification: Uncertain significance. Last evaluated: 2024-08-22. Review status: criteria provided, single submitter. Criteria: Invitae Variant Classification Sherloc (09022015). Collection method: clinical testing. Allele origin: germline.
Comment: This sequence change replaces aspartic acid, which is acidic and polar, with glycine, which is neutral and non-polar, at codon 351 of the MMP14 protein (p.Asp351Gly). This variant is not present in population databases (gnomAD no frequency). This variant has not been reported in the literature in individuals affected with MMP14-related conditions. ClinVar contains an entry for this variant (Variation ID: 1929653). Invitae Evidence Modeling of protein sequence and biophysical properties (such as structural, functional, and spatial information, amino acid conservation, physicochemical variation, residue mobility, and thermodynamic stability) indicates that this missense variant is not expected to disrupt MMP14 protein function with a negative predictive value of 80%. In summary, the available evidence is currently insufficient to determine the role of this variant in disease. Therefore, it has been classified as a Variant of Uncertain Significance.

NM_004995.4(MMP14):c.1052A>G (p.Asp351Gly)

Gene: MMP14 (matrix metallopeptidase 14; plus strand). Cytogenetic location: 14q11.2.
Variant type: single nucleotide variant.
Coding change: c.1052A>G on transcript NM_004995.4 (MANE Select); coding-DNA position 1052, A replaced by G.
Protein change: p.Asp351Gly; replaces aspartic acid 351 with glycine.
Molecular consequence: missense variant.
Genome position (GRCh38, 1-based): chr14:22,844,411, A>G. VCF-style: chr14-22844411-A-G. GRCh37 (hg19) VCF-style: chr14-23313620-A-G.
Other names: short protein forms D351G.
Identifiers: ClinVar variation 1929653 (VCV001929653.5), dbSNP rs2039796837, ClinGen allele CA388932661.